The following is an entry in ClinVar:

ClinVar aggregate classification (germline): Uncertain significance. Review status: criteria provided, multiple submitters, no conflicts (2 of 4 stars). 3 submissions from 3 submitters: Uncertain significance (3). Last evaluated 2024-05-14.

Conditions:
Ventriculomegaly-cystic kidney disease. Also called: Ventriculomegaly with cystic kidney disease. Identifiers: Orphanet 443988, MedGen C1857423, MONDO:0009063, OMIM 219730.
Focal segmental glomerulosclerosis 9 (FSGS9). Identifiers: Orphanet 656, MedGen C4015555, MONDO:0014539, OMIM 616220.
Inborn genetic diseases. Identifiers: MedGen C0950123, MeSH D030342.

Allele frequency attached by ClinVar (database versions not stated): gnomAD exomes 0.00001; gnomAD 0.00004; TOPMed 0.00008.
gnomAD v4.1: 34 of 1,570,468 alleles (0.0022%); highest among the groups gnomAD compares: African/African-American, 0.015%; no homozygotes.

Submissions (3):

Fulgent Genetics
Classification: Uncertain significance for Ventriculomegaly-cystic kidney disease; Focal segmental glomerulosclerosis 9. Last evaluated: 2024-05-14. Review status: criteria provided, single submitter. Criteria: ACMG Guidelines, 2015. Collection method: clinical testing. Allele origin: germline.

Labcorp Genetics (formerly Invitae), Labcorp
Classification: Uncertain significance. Last evaluated: 2022-09-13. Review status: criteria provided, single submitter. Criteria: Invitae Variant Classification Sherloc (09022015). Collection method: clinical testing. Allele origin: germline.
Comment: In summary, the available evidence is currently insufficient to determine the role of this variant in disease. Therefore, it has been classified as a Variant of Uncertain Significance. Algorithms developed to predict the effect of sequence changes on RNA splicing suggest that this variant may disrupt the consensus splice site. Advanced modeling of protein sequence and biophysical properties (such as structural, functional, and spatial information, amino acid conservation, physicochemical variation, residue mobility, and thermodynamic stability) has been performed at Invitae for this missense variant, however the output from this modeling did not meet the statistical confidence thresholds required to predict the impact of this variant on CRB2 protein function. ClinVar contains an entry for this variant (Variation ID: 1397898). This variant has not been reported in the literature in individuals affected with CRB2-related conditions. The frequency data for this variant in the population databases is considered unreliable, as metrics indicate poor data quality at this position in the gnomAD database. This sequence change replaces glycine, which is neutral and non-polar, with arginine, which is basic and polar, at codon 332 of the CRB2 protein (p.Gly332Arg).

Ambry Genetics
Classification: Uncertain significance for Inborn genetic diseases. Last evaluated: 2021-06-11. Review status: criteria provided, single submitter. Criteria: Ambry Variant Classification Scheme 2023. Collection method: clinical testing. Allele origin: germline.

NM_173689.7(CRB2):c.994G>A (p.Gly332Arg)

Gene: CRB2 (crumbs cell polarity complex component 2; plus strand). Cytogenetic location: 9q33.3.
Variant type: single nucleotide variant.
Coding change: c.994G>A on transcript NM_173689.7 (MANE Select); coding-DNA position 994, G replaced by A.
Protein change: p.Gly332Arg; replaces glycine 332 with arginine.
Molecular consequence: missense variant.
Genome position (GRCh38, 1-based): chr9:123,367,626, G>A. VCF-style: chr9-123367626-G-A. GRCh37 (hg19) VCF-style: chr9-126129905-G-A.
Other names: c.994G>A (NM_173689.5); short protein forms G332R.
Identifiers: ClinVar variation 1397898 (VCV001397898.10), dbSNP rs779805981, ClinGen allele CA5231867.